The following is an entry in ClinVar:

NM_001276345.2(TNNT2):c.600+6T>C

Gene: TNNT2 (troponin T2, cardiac type; minus strand). Cytogenetic location: 1q32.1.
Variant type: single nucleotide variant.
Coding change: c.600+6T>C on transcript NM_001276345.2 (MANE Select); 6 bases into the intron after coding-DNA position 600, T replaced by C.
Molecular consequence: intron variant.
Genome position (GRCh38, 1-based): chr1:201,363,290, A>G on the plus strand (T>C on the coding strand, the complement: TNNT2 is on the minus strand). VCF-style: chr1-201363290-A-G. GRCh37 (hg19) VCF-style: chr1-201332418-A-G.
Other names: c.570+6T>C (NM_001406727.1, NM_001406724.1, NM_001001431.3 and 3 more transcripts); c.555+6T>C (NM_001001432.3, NM_001406728.1); c.567+6T>C (NM_001406725.1); c.480+6T>C (NM_001276346.2); c.600+6T>C (NM_000364.4, NM_001406723.1).
Identifiers: ClinVar variation 3893727 (VCV003893727.1).
Genomic context (GRCh38, chr1:201,363,290, plus strand): 5'-AGTGGACACCTCATTCCTCAGGGCTATACTAGGATCTCCTGGCAACCCCTGCTGCTCCCT[A>G]CCTACCTTCTGGATGTAACCCCCAAAATGCATCATGTTGGACAAAGCCTTCTTCTTCCGG-3'

ClinVar aggregate classification (germline): Uncertain significance (1 of 4 stars; one submission).

Conditions:
Cardiomyopathy (CMYO). Also called: Cardiomyopathies. Identifiers: Orphanet 167848, MedGen C0878544, MONDO:0004994, HP:0001638. Inheritance: Various modes of inheritance.

Submission:

Color Diagnostics, LLC DBA Color Health
Classification: Uncertain significance for Cardiomyopathy. Last evaluated: 2024-03-25. Review status: criteria provided, single submitter. Criteria: ACMG Guidelines, 2015. Collection method: clinical testing. Allele origin: germline.
Comment: This variant causes a T to C nucleotide substitution at the +6 position of intron 11 of the TNNT2 gene. To our knowledge, functional studies have not been reported for this variant. This variant has not been reported in individuals affected with TNNT2-related disorders in the literature. This variant has not been identified in the general population by the Genome Aggregation Database (gnomAD). The available evidence is insufficient to determine the role of this variant in disease conclusively. Therefore, this variant is classified as a Variant of Uncertain Significance.